The following is an entry in ClinVar:

NM_000093.5(COL5A1):c.3690+2dup

Gene: COL5A1 (collagen type V alpha 1 chain; plus strand). Cytogenetic location: 9q34.3.
Variant type: Duplication.
Coding change: c.3690+2dup on transcript NM_000093.5 (MANE Select); the canonical splice donor site of the intron after coding-DNA position 3690, one base duplicated (T; older notation c.3690+2dupT).
Molecular consequence: splice donor variant.
Genome position (GRCh38, 1-based): chr9:134,811,601, T duplicated. VCF-style (leftmost placement, unchanged base first): chr9-134811600-G-GT. GRCh37 (hg19) VCF-style: chr9-137703446-G-GT.
Other names: c.3690+2dup (NM_001278074.1); c.3690+2dupT (NM_000093.5).
Identifiers: ClinVar variation 1387396 (VCV001387396.7), dbSNP rs2132845264, ClinGen allele CA2573144146.

ClinVar aggregate classification (germline): Uncertain significance. Review status: criteria provided, multiple submitters, no conflicts (2 of 4 stars). 2 submissions from 2 submitters: Uncertain significance (2). Last evaluated 2025-05-02.

Conditions:
Ehlers-Danlos syndrome, classic type, 1 (EDSCL1). Also called: EHLERS-DANLOS SYNDROME, GRAVIS TYPE; EHLERS-DANLOS SYNDROME, SEVERE CLASSIC TYPE; Ehlers-Danlos syndrome, type 1; Ehlers-Danlos Syndrome, Classic Type, COL5A1-Related; EDS I. Identifiers: MedGen C0268335, MONDO:0019567, OMIM 130000.

Submissions (2):

Women's Health and Genetics/Laboratory Corporation of America, LabCorp
Classification: Uncertain significance. Last evaluated: 2025-05-02. Review status: criteria provided, single submitter. Criteria: LabCorp Variant Classification Summary - May 2015. Collection method: clinical testing. Allele origin: germline.
Comment: Variant summary: COL5A1 c.3690+2dupT alters a nucleotide located close to a canonical splice site and therefore could affect mRNA splicing, leading to a significantly altered protein sequence. Several computational tools predict a significant impact on normal splicing: Two predict the variant abolishes the canonical 5' splicing donor site. Two predict the variant weakens the canonical 5' donor site. One predict the variant strengthens a cryptic 5' donor site. However, these predictions have yet to be confirmed by functional studies. The variant was absent in 159202 control chromosomes. The available data on variant occurrences in the general population are insufficient to allow any conclusion about variant significance. To our knowledge, no occurrence of c.3690+2dupT in individuals affected with Ehlers-Danlos syndrome, classic type, Ehlers-Danlos syndrome, classic type, 1 and no experimental evidence demonstrating its impact on protein function have been reported. ClinVar contains an entry for this variant (Variation ID: 1387396). Based on the evidence outlined above, the variant was classified as uncertain significance.

Labcorp Genetics (formerly Invitae), Labcorp
Classification: Uncertain significance for Ehlers-Danlos syndrome, classic type, 1. Last evaluated: 2021-11-29. Review status: criteria provided, single submitter. Criteria: Invitae Variant Classification Sherloc (09022015). Collection method: clinical testing. Allele origin: germline.
Comment: In summary, the available evidence is currently insufficient to determine the role of this variant in disease. Therefore, it has been classified as a Variant of Uncertain Significance. Variants that disrupt the consensus splice site are a relatively common cause of aberrant splicing (PMID: 17576681, 9536098). Algorithms developed to predict the effect of sequence changes on RNA splicing suggest that this variant may disrupt the consensus splice site. This variant has not been reported in the literature in individuals affected with COL5A1-related conditions. This variant is not present in population databases (gnomAD no frequency). This sequence change falls in intron 46 of the COL5A1 gene. It does not directly change the encoded amino acid sequence of the COL5A1 protein. It affects a nucleotide within the consensus splice site.

Literature cited by the submitters: PubMed 17576681 (cited by Labcorp Genetics (formerly Invitae), Labcorp); PubMed 9536098 (cited by Labcorp Genetics (formerly Invitae), Labcorp).